The following is an entry in ClinVar:

ClinVar aggregate classification (germline): Likely benign (1 of 4 stars; one submission).

Conditions:
Hereditary breast ovarian cancer syndrome. Also called: Hereditary breast and/or ovarian cancer syndrome; BRCA1- and BRCA2-Associated Hereditary Breast and Ovarian Cancer; Hereditary breast and ovarian cancer syndrome; Hereditary breast and ovarian cancer; Hereditary breast and ovarian cancer syndrome (HBOC); Breast and ovarian cancer. Identifiers: Orphanet 145, MedGen C0677776, MeSH D061325, MONDO:0003582. Disease mechanism: loss of function.

gnomAD v4.1: 1 of 1,609,898 alleles (0.000062%); highest among the groups gnomAD compares: Middle Eastern, 0.017%; no homozygotes.

Submissions (2):

Labcorp Genetics (formerly Invitae), Labcorp
Classification: Likely benign for Hereditary breast ovarian cancer syndrome. Last evaluated: 2024-02-16. Review status: criteria provided, single submitter. Criteria: Invitae Variant Classification Sherloc (09022015). Collection method: clinical testing. Allele origin: germline.

Brotman Baty Institute, University of Washington
No classification provided (evidence only). Condition: Breast-ovarian cancer, familial 1. Review status: no classification provided. Collection method: in vitro. Allele origin: not applicable. Functional consequence: functionally_normal. Not counted in ClinVar's aggregate classification.
ClinVar note: "not provided" was previously submitted as the classification for the variant. However, the classification appeared to be based only on an observation of functional data so it was converted to no classification on 2025-07-30.

NM_007294.4(BRCA1):c.5153-9T>C

Gene: BRCA1 (BRCA1 DNA repair associated; minus strand). Cytogenetic location: 17q21.31.
Variant type: single nucleotide variant.
Coding change: c.5153-9T>C on transcript NM_007294.4 (MANE Select); 9 bases into the intron before coding-DNA position 5153, T replaced by C.
Molecular consequence: intron variant.
Genome position (GRCh38, 1-based): chr17:43,063,382, A>G on the plus strand (T>C on the coding strand, the complement: BRCA1 is on the minus strand). VCF-style: chr17-43063382-A-G. GRCh37 (hg19) VCF-style: chr17-41215399-A-G.
Other names: c.1505-9T>C (NM_001408508.1); c.1631-9T>C (NM_001408491.1, NM_001408481.1, NM_001408490.1 and 5 more transcripts); c.4937-9T>C (NM_001407918.1, NM_001407915.1, NM_001407916.1 and 1 more transcripts); c.4940-9T>C (NM_001407894.1, NM_001407909.1, NM_001407906.1 and 12 more transcripts); c.4814-9T>C (NM_001407957.1, NM_001407958.1, NM_001407956.1); c.4817-9T>C (NM_001407953.1, NM_001407955.1, NM_001407951.1 and 3 more transcripts); c.4820-9T>C (NM_001407949.1, NM_001407946.1, NM_001407948.1 and 1 more transcripts); c.1517-9T>C (NM_001408506.1); and 72 more.
Identifiers: ClinVar variation 865062 (VCV000865062.8), dbSNP rs2051874564, ClinGen allele CA916080060.